The following is an entry in ClinVar:

NM_020381.4(PDSS2):c.1145C>T (p.Ser382Leu)

Gene: PDSS2 (decaprenyl diphosphate synthase subunit 2; minus strand). Cytogenetic location: 6q21.
Variant type: single nucleotide variant.
Coding change: c.1145C>T on transcript NM_020381.4 (MANE Select); coding-DNA position 1145, C replaced by T.
Protein change: p.Ser382Leu; replaces serine 382 with leucine.
Molecular consequence: missense variant.
Genome position (GRCh38, 1-based): chr6:107,154,674, G>A on the plus strand (C>T on the coding strand, the complement: PDSS2 is on the minus strand). VCF-style: chr6-107154674-G-A. GRCh37 (hg19) VCF-style: chr6-107475878-G-A.
Other names: short protein forms S382L.
Identifiers: ClinVar variation 1201 (VCV000001201.10), dbSNP rs118203956, ClinGen allele CA114835.

ClinVar aggregate classification (germline): Conflicting classifications of pathogenicity. Review status: criteria provided, conflicting classifications (1 of 4 stars). 8 submissions from 8 submitters: Likely pathogenic (3); Uncertain significance (2). 3 of the submissions do not count toward it. Last evaluated 2025-09-17.

Conditions:
PDSS2-related disorder. Also called: PDSS2-related condition.
Nephrotic syndrome. Identifiers: MedGen C0027726, MONDO:0005377, HP:0000100.
Coenzyme Q10 deficiency, primary, 3 (COQ10D3). Identifiers: Orphanet 255249, MedGen C3553358, MONDO:0013838, OMIM 614652.

Allele frequency attached by ClinVar (database versions not stated): gnomAD 0.00002; gnomAD exomes 0.00002 and 0.00003; ExAC 0.00003; TOPMed 0.00002.
gnomAD v4.1: 35 of 1,613,988 alleles (0.0022%); highest among the groups gnomAD compares: Admixed American, 0.0033%; no homozygotes.

Submissions (8):

PreventionGenetics, part of Exact Sciences
Classification: Likely pathogenic for PDSS2-related condition. Last evaluated: 2025-09-17. Review status: criteria provided, single submitter. Criteria: ACMG Guidelines, 2015. Collection method: clinical testing. Allele origin: germline.
Comment: The PDSS2 c.1145C>T variant is predicted to result in the amino acid substitution p.Ser382Leu. This variant has been reported in both the compound heterozygous and homozygous states in individuals with phenotypes consistent with a PDSS2-related disorder (Carlos Lopez et al. 2006. PubMed ID: 17186472; Supplemental Table 3 in Sadowski et al. 2015. PubMed ID: 25349199; Supplemental Table 9 in Warejko et al. 2017. PubMed ID: 29127259; Elshafey et al. 2023. PubMed ID: 36847718). One study examined cultured fibroblast from a patient who was compound heterozygous for this variant and showed that the cells had a defect in CoQ10 synthesis (Lopez et al. 2006. PubMed ID: 17186472). This variant is reported in 0.0054% of alleles in individuals of East Asian descent in gnomAD. This variant is interpreted as likely pathogenic.

3billion
Classification: Likely pathogenic for Coenzyme Q10 deficiency, primary, 3. Last evaluated: 2025-04-18. Review status: criteria provided, single submitter. Criteria: ACMG Guidelines, 2015. Collection method: clinical testing. Allele origin: germline. Affected: yes.

Women's Health and Genetics/Laboratory Corporation of America, LabCorp
Classification: Uncertain significance. Last evaluated: 2022-12-30. Review status: criteria provided, single submitter. Criteria: LabCorp Variant Classification Summary - May 2015. Collection method: clinical testing. Allele origin: germline.
Comment: Variant summary: PDSS2 c.1145C>T (p.Ser382Leu) results in a non-conservative amino acid change in the encoded protein sequence. Five of five in-silico tools predict a damaging effect of the variant on protein function. The variant allele was found at a frequency of 3.2e-05 in 251440 control chromosomes (gnomAD). c.1145C>T has been reported in the literature in a compound heterozygous individual, who carried a nonsense variant in trans, and was affected with Coenzyme Q10 Deficiency, Primary, 3 (Lopez_2006), and in a homozygous individual affected with Steroid Resistant Nephrotic syndrome, a related disorder (Sadowski_2015). These data indicate that the variant may be associated with disease. Publications also reported experimental evidence on patient derived fibroblasts (reported in Lopez_2006), demonstrating severely decreased CoQ10 levels and markedly reduced ATP synthesis (Lopez_2006, Quinzii_2008), and both the low CoQ10 levels and bioenergetic abnormalities could be corrected in vitro with COQ10 administration after one week of treatment (Lopez_2010), confirming a causal role for the PDSS2 gene in this patient. On the other hand, to our knowledge only a few variants have been reported in additional affected individuals, with limited biochemical phenotype details (PMIDs 25349199, 29032433), therefore current evidence is not sufficient to clearly establish whether loss-of-function variant can cause disease. One clinical diagnostic laboratory has submitted clinical-significance assessments for this variant to ClinVar after 2014 without evidence for independent evaluation, and classified the variant as likely pathogenic. Based on the evidence outlined above, the variant was classified as VUS-possibly pathogenic.

Fulgent Genetics
Classification: Likely pathogenic for Coenzyme Q10 deficiency, primary, 3. Last evaluated: 2022-05-18. Review status: criteria provided, single submitter. Criteria: ACMG Guidelines, 2015. Collection method: clinical testing. Allele origin: unknown.

Labcorp Genetics (formerly Invitae), Labcorp
Classification: Uncertain significance. Last evaluated: 2022-01-31. Review status: criteria provided, single submitter. Criteria: Invitae Variant Classification Sherloc (09022015). Collection method: clinical testing. Allele origin: germline.
Comment: This sequence change replaces serine, which is neutral and polar, with leucine, which is neutral and non-polar, at codon 382 of the PDSS2 protein (p.Ser382Leu). This variant is present in population databases (rs118203956, gnomAD 0.006%). This missense change has been observed in individuals with PDSS2-related conditions (PMID: 17186472, 29127259). ClinVar contains an entry for this variant (Variation ID: 1201). Algorithms developed to predict the effect of missense changes on protein structure and function are either unavailable or do not agree on the potential impact of this missense change (SIFT: "Deleterious"; PolyPhen-2: "Probably Damaging"; Align-GVGD: "Class C0"). In summary, the available evidence is currently insufficient to determine the role of this variant in disease. Therefore, it has been classified as a Variant of Uncertain Significance.

Yale Center for Mendelian Genomics, Yale University
Classification: Likely pathogenic for Nephrotic syndrome. Last evaluated: 2017-11-10. Review status: no assertion criteria provided. Collection method: literature only. Allele origin: germline. Affected: yes. Observed: 1 homozygote. Study: Yale Center for Mendelian Genomics. Not counted in ClinVar's aggregate classification.

OMIM
Classification: Pathogenic for COENZYME Q10 DEFICIENCY, PRIMARY, 3 (1 family). Last evaluated: 2006-12-01. Review status: no assertion criteria provided. Collection method: literature only. Allele origin: germline. Not counted in ClinVar's aggregate classification.

GeneReviews
No classification provided. Condition: Coenzyme Q10 deficiency, primary, 3. Review status: no classification provided. Collection method: literature only. Allele origin: germline. Not counted in ClinVar's aggregate classification.

Literature cited by the submitters: PubMed 17186472 (cited by 4 submitters); PubMed 25349199 (cited by Women's Health and Genetics/Laboratory Corporation of America, LabCorp); PubMed 20689595 (cited by Women's Health and Genetics/Laboratory Corporation of America, LabCorp); PubMed 29127259 (cited by 3 submitters); PubMed 19096106 (cited by Women's Health and Genetics/Laboratory Corporation of America, LabCorp); PubMed 23816342 (cited by Women's Health and Genetics/Laboratory Corporation of America, LabCorp); PubMed 17374725 (cited by GeneReviews); NCBI Bookshelf NBK410087 (cited by GeneReviews).